The following is an entry in ClinVar:

ClinVar aggregate classification (germline): Uncertain significance (1 of 4 stars; one submission).

gnomAD v4.1: 1 of 1,614,198 alleles (0.000062%); highest among the groups gnomAD compares: South Asian, 0.0011%; no homozygotes.

Submission:

Labcorp Genetics (formerly Invitae), Labcorp
Classification: Uncertain significance. Last evaluated: 2024-02-24. Review status: criteria provided, single submitter. Criteria: Invitae Variant Classification Sherloc (09022015). Collection method: clinical testing. Allele origin: germline.
Comment: This sequence change replaces valine, which is neutral and non-polar, with alanine, which is neutral and non-polar, at codon 219 of the POLE protein (p.Val219Ala). This variant is not present in population databases (gnomAD no frequency). This variant has not been reported in the literature in individuals affected with POLE-related conditions. Advanced modeling of protein sequence and biophysical properties (such as structural, functional, and spatial information, amino acid conservation, physicochemical variation, residue mobility, and thermodynamic stability) performed at Invitae indicates that this missense variant is not expected to disrupt POLE protein function with a negative predictive value of 80%. In summary, the available evidence is currently insufficient to determine the role of this variant in disease. Therefore, it has been classified as a Variant of Uncertain Significance.

NM_006231.4(POLE):c.656T>C (p.Val219Ala)

Gene: POLE (DNA polymerase epsilon, catalytic subunit; minus strand). Cytogenetic location: 12q24.33.
Variant type: single nucleotide variant.
Coding change: c.656T>C on transcript NM_006231.4 (MANE Select); coding-DNA position 656, T replaced by C.
Protein change: p.Val219Ala; replaces valine 219 with alanine.
Molecular consequence: missense variant.
Genome position (GRCh38, 1-based): chr12:132,677,642, A>G on the plus strand (T>C on the coding strand, the complement: POLE is on the minus strand). VCF-style: chr12-132677642-A-G. GRCh37 (hg19) VCF-style: chr12-133254228-A-G.
Other names: short protein forms V219A.
Identifiers: ClinVar variation 3628078 (VCV003628078.2).